The following is an entry in ClinVar:

ClinVar aggregate classification (germline): Uncertain significance. Review status: criteria provided, multiple submitters, no conflicts (2 of 4 stars). 2 submissions from 2 submitters: Uncertain significance (2). Last evaluated 2023-12-06.

Conditions:
Emery-Dreifuss muscular dystrophy 4, autosomal dominant (EDMD4). Also called: EMERY-DREIFUSS MUSCULAR DYSTROPHY 4 WITH VARIABLE FEATURES. Identifiers: Orphanet 261, MedGen C2751807, MONDO:0013071, OMIM 612998.
Autosomal recessive ataxia, Beauce type. Also called: Spinocerebellar ataxia, autosomal recessive 8; ATAXIA, RECESSIVE, OF BEAUCE; SYNE1-Related Autosomal Recessive Cerebellar Ataxia; SYNE1 Deficiency. Identifiers: Orphanet 88644, MedGen C1853116, MONDO:0012549, OMIM 610743.

Allele frequency attached by ClinVar (database versions not stated): TOPMed 0.00001; ExAC 0.00002; gnomAD exomes 0.00002 and 0.00004.
gnomAD v4.1: 11 of 1,612,966 alleles (0.00068%); highest among the groups gnomAD compares: Admixed American, 0.015%; no homozygotes.

Submissions (2):

Labcorp Genetics (formerly Invitae), Labcorp
Classification: Uncertain significance for Emery-Dreifuss muscular dystrophy 4, autosomal dominant; Autosomal recessive ataxia, Beauce type. Last evaluated: 2023-12-06. Review status: criteria provided, single submitter. Criteria: Invitae Variant Classification Sherloc (09022015). Collection method: clinical testing. Allele origin: germline.
Comment: This sequence change replaces valine, which is neutral and non-polar, with phenylalanine, which is neutral and non-polar, at codon 8357 of the SYNE1 protein (p.Val8357Phe). This variant is present in population databases (rs757463285, gnomAD 0.02%). This variant has not been reported in the literature in individuals affected with SYNE1-related conditions. ClinVar contains an entry for this variant (Variation ID: 934780). An algorithm developed to predict the effect of missense changes on protein structure and function (PolyPhen-2) suggests that this variant is likely to be tolerated. In summary, the available evidence is currently insufficient to determine the role of this variant in disease. Therefore, it has been classified as a Variant of Uncertain Significance.

Revvity Omics, Revvity
Classification: Uncertain significance. Last evaluated: 2019-10-03. Review status: criteria provided, single submitter. Criteria: ACMG Guidelines, 2015. Collection method: clinical testing. Allele origin: germline.

NM_182961.4(SYNE1):c.25213G>T (p.Val8405Phe)

Gene: SYNE1 (spectrin repeat containing nuclear envelope protein 1; minus strand). Cytogenetic location: 6q25.2.
Variant type: single nucleotide variant.
Coding change: c.25213G>T on transcript NM_182961.4 (MANE Select); coding-DNA position 25213, G replaced by T.
Protein change: p.Val8405Phe; replaces valine 8405 with phenylalanine.
Molecular consequence: missense variant.
Genome position (GRCh38, 1-based): chr6:152,141,236, C>A on the plus strand (G>T on the coding strand, the complement: SYNE1 is on the minus strand). VCF-style: chr6-152141236-C-A. GRCh37 (hg19) VCF-style: chr6-152462371-C-A.
Other names: c.1819G>T, p.Val607Phe (NM_001347701.2); c.1747G>T, p.Val583Phe (NM_001347702.2); c.25069G>T, p.Val8357Phe (NM_033071.5); short protein forms V8357F, V583F, V607F, V8405F.
Identifiers: ClinVar variation 934780 (VCV000934780.12), dbSNP rs757463285, ClinGen allele CA4052898.